The following is an entry in ClinVar:

NM_152305.3(POGLUT1):c.23C>T (p.Pro8Leu)

Gene: POGLUT1 (protein O-glucosyltransferase 1; plus strand). Cytogenetic location: 3q13.33.
Variant type: single nucleotide variant.
Coding change: c.23C>T on transcript NM_152305.3 (MANE Select); coding-DNA position 23, C replaced by T.
Protein change: p.Pro8Leu; replaces proline 8 with leucine.
Molecular consequence: missense variant. On other transcripts: non-coding transcript variant (1).
Genome position (GRCh38, 1-based): chr3:119,469,044, C>T. VCF-style: chr3-119469044-C-T. GRCh37 (hg19) VCF-style: chr3-119187891-C-T.
Other names: p.Pro8Leu; c.23C>T (NM_152305.2); short protein forms P8L.
Identifiers: ClinVar variation 3379483 (VCV003379483.2).

ClinVar aggregate classification (germline): Uncertain significance. Review status: criteria provided, multiple submitters, no conflicts (2 of 4 stars). 2 submissions from 2 submitters: Uncertain significance (2). Last evaluated 2025-04-01.

Conditions:
Inborn genetic diseases. Identifiers: MedGen C0950123, MeSH D030342.

gnomAD v4.1: 5 of 1,609,140 alleles (0.00031%); highest among the groups gnomAD compares: Non-Finnish European, 0.00034%; no homozygotes.

Submissions (2):

Ambry Genetics
Classification: Uncertain significance for Inborn genetic diseases. Last evaluated: 2025-04-01. Review status: criteria provided, single submitter. Criteria: Ambry Variant Classification Scheme 2023. Collection method: clinical testing. Allele origin: germline.

Mayo Clinic Laboratories, Mayo Clinic
Classification: Uncertain significance. Last evaluated: 2023-12-28. Review status: criteria provided, single submitter. Criteria: ACMG Guidelines, 2015. Collection method: clinical testing. Allele origin: germline. Observed: 1 variant allele.
Comment: BP4, PM2_moderate